The following is an entry in ClinVar:

ClinVar aggregate classification (germline): Benign/Likely benign. Review status: criteria provided, multiple submitters, no conflicts (2 of 4 stars). 3 submissions from 3 submitters: Benign (1); Likely benign (2). Last evaluated 2024-11-03.

Conditions:
Fanconi anemia complementation group J. Also called: BRIP1-Related Fanconi Anemia. Identifiers: Orphanet 84, MedGen C1836860, MONDO:0012187, OMIM 609054.
Familial cancer of breast. Also called: hereditary breast carcinoma; Hereditary breast cancer; BREAST CANCER, FAMILIAL. Identifiers: Orphanet 227535, MedGen C0346153, MONDO:0016419, OMIM 114480. Disease mechanism: loss of function.
Hereditary cancer-predisposing syndrome. Also called: Neoplastic Syndromes, Hereditary; Hereditary Cancer Syndrome; Hereditary neoplastic syndrome; Tumor predisposition. Identifiers: Orphanet 140162, MedGen C0027672, MeSH D009386, MONDO:0015356.

Allele frequency attached by ClinVar (database versions not stated): TOPMed 0.00002.

Submissions (3):

Labcorp Genetics (formerly Invitae), Labcorp
Classification: Likely benign for Familial cancer of breast; Fanconi anemia complementation group J. Last evaluated: 2024-11-03. Review status: criteria provided, single submitter. Criteria: Invitae Variant Classification Sherloc (09022015). Collection method: clinical testing. Allele origin: germline.

Myriad Genetics, Inc.
Classification: Benign for Familial cancer of breast. Last evaluated: 2024-08-09. Review status: criteria provided, single submitter. Criteria: Myriad Autosomal Dominant, Autosomal Recessive and X-Linked Classification Criteria (2023). Collection method: clinical testing. Allele origin: unknown.
Comment: This variant is considered benign. This variant is a silent/synonymous amino acid change and it is not expected to impact splicing.

Ambry Genetics
Classification: Likely benign for Hereditary cancer-predisposing syndrome. Last evaluated: 2023-12-10. Review status: criteria provided, single submitter. Criteria: Ambry Variant Classification Scheme 2023. Collection method: clinical testing. Allele origin: germline.

NM_032043.3(BRIP1):c.213A>G (p.Pro71=)

Gene: BRIP1 (BRCA1 interacting DNA helicase 1; minus strand). Cytogenetic location: 17q23.2.
Variant type: single nucleotide variant.
Coding change: c.213A>G on transcript NM_032043.3 (MANE Select); coding-DNA position 213, A replaced by G.
Protein change: p.Pro71=; no amino-acid change (proline 71 retained).
Molecular consequence: synonymous variant.
Genome position (GRCh38, 1-based): chr17:61,857,224, T>C on the plus strand (A>G on the coding strand, the complement: BRIP1 is on the minus strand). VCF-style: chr17-61857224-T-C. GRCh37 (hg19) VCF-style: chr17-59934585-T-C.
Other names: c.213A>G (NM_032043.2).
Identifiers: ClinVar variation 1156327 (VCV001156327.12), dbSNP rs1471650548, ClinGen allele CA501151440.
Genomic context (GRCh38, chr17:61,857,224, plus strand): 5'-ATGGCATGCACAACAACATGACAATTGTACTTCAGCTTTTTCACTTACGCCCTCATCTGC[T>C]GGTTTCCCTAAAAATGAAAGAACATCTATTTATAATATATCTAATTAAATAAACATCAAT-3'
Protein context (NP_114432.2, residues 61-81): LAWQQSLSGK[Pro71=]ADEGVSEKAE